The following is an entry in ClinVar:

ClinVar aggregate classification (germline): Uncertain significance (1 of 4 stars; one submission).

Conditions:
Charcot-Marie-Tooth disease type 2. Also called: Charcot-Marie-Tooth type 2. Identifiers: Orphanet 64746, MedGen C0270914, MONDO:0018993.

Submission:

Labcorp Genetics (formerly Invitae), Labcorp
Classification: Uncertain significance for Charcot-Marie-Tooth disease type 2. Last evaluated: 2022-04-12. Review status: criteria provided, single submitter. Criteria: Invitae Variant Classification Sherloc (09022015). Collection method: clinical testing. Allele origin: germline.
Comment: This sequence change replaces leucine, which is neutral and non-polar, with proline, which is neutral and non-polar, at codon 265 of the MED25 protein (p.Leu265Pro). This variant is not present in population databases (gnomAD no frequency). This variant has not been reported in the literature in individuals affected with MED25-related conditions. Algorithms developed to predict the effect of missense changes on protein structure and function are either unavailable or do not agree on the potential impact of this missense change (SIFT: "Deleterious"; PolyPhen-2: "Probably Damaging"; Align-GVGD: "Class C0"). In summary, the available evidence is currently insufficient to determine the role of this variant in disease. Therefore, it has been classified as a Variant of Uncertain Significance.

NM_030973.4(MED25):c.794T>C (p.Leu265Pro)

Gene: MED25 (mediator complex subunit 25; plus strand). Cytogenetic location: 19q13.33.
Variant type: single nucleotide variant.
Coding change: c.794T>C on transcript NM_030973.4 (MANE Select); coding-DNA position 794, T replaced by C.
Protein change: p.Leu265Pro; replaces leucine 265 with proline.
Molecular consequence: missense variant.
Genome position (GRCh38, 1-based): chr19:49,830,193, T>C. VCF-style: chr19-49830193-T-C. GRCh37 (hg19) VCF-style: chr19-50333450-T-C.
Other names: c.794T>C, p.Leu265Pro (NM_001378355.1); short protein forms L265P.
Identifiers: ClinVar variation 2125524 (VCV002125524.4), dbSNP rs2514511199, ClinGen allele CA406914196.